The following is an entry in ClinVar:

ClinVar aggregate classification (germline): Pathogenic/Likely pathogenic. Review status: criteria provided, multiple submitters, no conflicts (2 of 4 stars). 5 submissions from 4 submitters: Pathogenic (1); Likely pathogenic (4). Last evaluated 2025-09-10.

Conditions:
Neu-Laxova syndrome 1 (NLS1). Identifiers: Orphanet 2671, Orphanet 583607, MedGen C4551478, MONDO:0009736, OMIM 256520. Disease mechanism: loss of function.
PHGDH deficiency. Identifiers: Orphanet 79351, MedGen C1866174, MONDO:0011152, OMIM 601815.

Submissions (5):

Natera, Inc.
Classification: Likely pathogenic for Phosphoglycerate dehydrogenase deficiency. Last evaluated: 2025-09-10. Review status: criteria provided, single submitter. Criteria: Natera Variant Classification Schema (03/2026). Collection method: clinical testing. Allele origin: germline.
Comment: The c.1394del variant in PHGDH is a frameshift variant predicted to shift the reading frame beginning at codon 465 and leads to a stop codon 17 codons downstream. This variant is expected to result in nonsense mediated decay, truncation, or a dysfunctional protein product. This variant is rare in the general population with a frequency below the threshold expected for the associated phenotype(s). Given the available evidence, this variant is classified as Likely Pathogenic.

Genome-Nilou Lab
Classification: Likely pathogenic for Neu-Laxova syndrome 1. Last evaluated: 2023-04-11. Review status: criteria provided, single submitter. Criteria: ACMG Guidelines, 2015. Collection method: clinical testing. Allele origin: germline. Affected: no.

Genome-Nilou Lab
Classification: Likely pathogenic for PHGDH deficiency. Last evaluated: 2023-04-11. Review status: criteria provided, single submitter. Criteria: ACMG Guidelines, 2015. Collection method: clinical testing. Allele origin: germline. Affected: no.

Women's Health and Genetics/Laboratory Corporation of America, LabCorp
Classification: Likely pathogenic for PHGDH deficiency. Last evaluated: 2023-02-01. Review status: criteria provided, single submitter. Criteria: LabCorp Variant Classification Summary - May 2015. Collection method: clinical testing. Allele origin: germline.
Comment: Variant summary: PHGDH c.1394delT (p.Leu465ArgfsX17) results in a premature termination codon and is predicted to cause a truncation of the encoded protein, which is a commonly known mechanism for disease. Although the variant is not predicted to cause absence of the protein through nonsense mediated decay, the variant is predicted to disrupt the last 52 amino acids in the protein sequence. Downstream missense variants have been classified as pathogenic by our lab, suggesting that the disrupted region is important for normal protein function (e.g. c.1468G>A [p.Val490Met]). The variant was absent in 251444 control chromosomes (gnomAD). To our knowledge, no occurrence of c.1394delT in individuals affected with Phosphoglycerate Dehydrogenase Deficiency and no experimental evidence demonstrating its impact on protein function have been reported. No clinical diagnostic laboratories have submitted clinical-significance assessments for this variant to ClinVar after 2014. Based on the evidence outlined above, the variant was classified as likely pathogenic.

Labcorp Genetics (formerly Invitae), Labcorp
Classification: Pathogenic for PHGDH deficiency. Last evaluated: 2022-08-21. Review status: criteria provided, single submitter. Criteria: Invitae Variant Classification Sherloc (09022015). Collection method: clinical testing. Allele origin: germline.
Comment: For these reasons, this variant has been classified as Pathogenic. This variant disrupts a region of the PHGDH protein in which other variant(s) (p.Trp506*) have been determined to be pathogenic (PMID: 30348640; Invitae). This suggests that this is a clinically significant region of the protein, and that variants that disrupt it are likely to be disease-causing. This variant has not been reported in the literature in individuals affected with PHGDH-related conditions. This variant is not present in population databases (gnomAD no frequency). This sequence change creates a premature translational stop signal (p.Leu465Argfs*17) in the PHGDH gene. While this is not anticipated to result in nonsense mediated decay, it is expected to disrupt the last 69 amino acid(s) of the PHGDH protein.

Literature cited by the submitters: PubMed 30348640 (cited by Labcorp Genetics (formerly Invitae), Labcorp).

NM_006623.4(PHGDH):c.1394del (p.Leu465fs)

Gene: PHGDH (phosphoglycerate dehydrogenase; plus strand). Cytogenetic location: 1p12.
Variant type: Deletion.
Coding change: c.1394del on transcript NM_006623.4 (MANE Select); coding-DNA position 1394, one base deleted (T; older notation c.1394delT).
Protein change: p.Leu465fs; shifts the reading frame from leucine 465.
Molecular consequence: frameshift variant.
Genome position (GRCh38, 1-based): chr1:119,742,991, T deleted. VCF-style (leftmost placement, unchanged base first): chr1-119742990-CT-C. GRCh37 (hg19) VCF-style: chr1-120285613-CT-C.
Other names: c.1394delT (NM_006623.3); c.1394del (NM_006623.3); short protein forms L465fs.
Identifiers: ClinVar variation 2095806 (VCV002095806.7), dbSNP rs2464204681, ClinGen allele CA2580060905.